The following is an entry in ClinVar:

ClinVar aggregate classification (germline): Likely benign. Review status: criteria provided, multiple submitters, no conflicts (2 of 4 stars). 3 submissions from 3 submitters: Likely benign (3). Last evaluated 2026-03-05.

Conditions:
Dilated cardiomyopathy 1R (CMD1R). Identifiers: Orphanet 154, Orphanet 54260, MedGen C3150681, MONDO:0013261, OMIM 613424.
Atrial septal defect 5 (ASD5). Identifiers: Orphanet 1478, MedGen C2748552, MONDO:0013011, OMIM 612794.
Hypertrophic cardiomyopathy 11. Also called: ACTC1-Related Familial Hypertrophic Cardiomyopathy. Identifiers: MedGen C2677506, MONDO:0012799, OMIM 612098.

Submissions (3):

Women's Health and Genetics/Laboratory Corporation of America, LabCorp
Classification: Likely benign. Last evaluated: 2026-03-05. Review status: criteria provided, single submitter. Criteria: LabCorp Variant Classification Summary - May 2015. Collection method: clinical testing. Allele origin: germline.
Comment: Variant summary: ACTC1 c.809-22_809-13del10 alters a nucleotide located at a position not widely known to affect splicing. Consensus agreement among computation tools predict no significant impact on normal splicing. However, these predictions have yet to be confirmed by functional studies. The variant was absent in 106928 control chromosomes. The available data on variant occurrences in the general population are insufficient to allow any conclusion about variant significance. To our knowledge, no occurrence of c.809-22_809-13del10 in individuals affected with ACTC1-related conditions and no experimental evidence demonstrating its impact on protein function have been reported. ClinVar contains an entry for this variant (Variation ID: 929115). Based on the evidence outlined above, the variant was classified as likely benign.

Labcorp Genetics (formerly Invitae), Labcorp
Classification: Likely benign for Dilated cardiomyopathy 1R; Hypertrophic cardiomyopathy 11; Atrial septal defect 5. Last evaluated: 2026-01-20. Review status: criteria provided, single submitter. Criteria: Invitae Variant Classification Sherloc (09022015). Collection method: clinical testing. Allele origin: germline.

Blueprint Genetics
Classification: Likely benign. Last evaluated: 2024-11-27. Review status: criteria provided, single submitter. Criteria: ACMG Guidelines, 2015. Collection method: clinical testing. Allele origin: germline.

NM_005159.5(ACTC1):c.809-58TG[18]

Genes: ACTC1 (actin alpha cardiac muscle 1; minus strand), GJD2-DT (GJD2 divergent transcript; plus strand). Cytogenetic location: 15q14.
Variant type: Microsatellite.
Coding change: c.809-58TG[18] on transcript NM_005159.5 (MANE Select); 18 copies in a row of the 2-base unit TG starting at c.809-58; the reference has 23 copies in a row; five copies, 10 bases deleted.
Molecular consequence: intron variant.
Genome position (GRCh38, 1-based): chr15:34,791,308-34,791,317, CACACACACA deleted on the plus strand (TGTGTGTGTG on the coding strand, the reverse complement: ACTC1 is on the minus strand); deleting any 10 consecutive bases within chr15:34,791,308-34,791,353 gives the same sequence; the position shown is the placement nearest the transcript's 3' end. VCF-style (leftmost placement, unchanged base first): chr15-34791307-TCACACACACA-T. GRCh37 (hg19) VCF-style: chr15-35083508-TCACACACACA-T.
Other names: c.809-22_809-13del10 (NM_005159.5).
Identifiers: ClinVar variation 929115 (VCV000929115.10), dbSNP rs59431308, ClinGen allele CA712279163.